The following is an entry in ClinVar:

NM_033380.3(COL4A5):c.4474G>A (p.Gly1492Ser)

Gene: COL4A5 (collagen type IV alpha 5 chain; plus strand). Cytogenetic location: Xq22.3.
Variant type: single nucleotide variant.
Coding change: c.4474G>A on transcript NM_033380.3 (MANE Select); coding-DNA position 4474, G replaced by A.
Protein change: p.Gly1492Ser; replaces glycine 1492 with serine.
Molecular consequence: missense variant.
Genome position (GRCh38, 1-based): chrX:108,687,640, G>A. VCF-style: chrX-108687640-G-A. GRCh37 (hg19) VCF-style: chrX-107930870-G-A.
Other names: c.4456G>A, p.Gly1486Ser (NM_000495.5); short protein forms G1486S, G1492S.
Identifiers: ClinVar variation 1519304 (VCV001519304.6), dbSNP rs2147991584, ClinGen allele CA413854605.

ClinVar aggregate classification (germline): Pathogenic (1 of 4 stars; one submission).

Submission:

Labcorp Genetics (formerly Invitae), Labcorp
Classification: Pathogenic. Last evaluated: 2025-08-21. Review status: criteria provided, single submitter. Criteria: Invitae Variant Classification Sherloc (09022015). Collection method: clinical testing. Allele origin: germline.
Comment: This sequence change replaces glycine, which is neutral and non-polar, with serine, which is neutral and polar, at codon 1486 of the COL4A5 protein (p.Gly1486Ser). This variant is not present in population databases (gnomAD no frequency). This missense change has been observed in individuals with clinical features of Alport syndrome (PMID: 36105030; internal data). It has also been observed to segregate with disease in related individuals. ClinVar contains an entry for this variant (Variation ID: 1519304). Invitae Evidence Modeling of protein sequence and biophysical properties (such as structural, functional, and spatial information, amino acid conservation, physicochemical variation, residue mobility, and thermodynamic stability) indicates that this missense variant is expected to disrupt COL4A5 protein function with a positive predictive value of 95%. This variant disrupts the p.Gly1486 amino acid residue in COL4A5. Other variant(s) that disrupt this residue have been observed in individuals with COL4A5-related conditions (PMID: 10094548, 24304881; internal data), which suggests that this may be a clinically significant amino acid residue. For these reasons, this variant has been classified as Pathogenic.

Literature cited by the submitters: PubMed 36105030; PubMed 10094548; PubMed 24304881.